The following is an entry in ClinVar:

NM_001273.5(CHD4):c.4722A>C (p.Glu1574Asp)

Genes: CHD4 (chromodomain helicase DNA binding protein 4; minus strand), CHD4-AS1 (CHD4 antisense RNA 1; plus strand). Cytogenetic location: 12p13.31.
Variant type: single nucleotide variant.
Coding change: c.4722A>C on transcript NM_001273.5 (MANE Select); coding-DNA position 4722, A replaced by C.
Protein change: p.Glu1574Asp; replaces glutamic acid 1574 with aspartic acid.
Molecular consequence: missense variant.
Genome position (GRCh38, 1-based): chr12:6,581,348, T>G on the plus strand (A>C on the coding strand, the complement: CHD4 is on the minus strand). VCF-style: chr12-6581348-T-G. GRCh37 (hg19) VCF-style: chr12-6690514-T-G.
Other names: c.4701A>C, p.Glu1567Asp (NM_001297553.2); c.4683A>C, p.Glu1561Asp (NM_001363606.2); short protein forms E1561D, E1567D, E1574D.
Identifiers: ClinVar variation 1803441 (VCV001803441.1), dbSNP rs1948185107, ClinGen allele CA383571102.
Genomic context (GRCh38, chr12:6,581,348, plus strand): 5'-TACCTCAATGGCAGTCTCAGGGGCTGTAGATTTAACCTCCTTTTCTCCTTCTATGCTCTC[T>G]TCTTCTTTGAGGCTATTTTCCTCTATTTTTATCCCATCTTCTGCAGAACAATAAAAGACA-3'
Protein context (NP_001264.2, residues 1564-1584): IKIEENSLKE[Glu1574Asp]ESIEGEKEVK

ClinVar aggregate classification (germline): Uncertain significance (1 of 4 stars; one submission).

Allele frequency attached by ClinVar (database versions not stated): gnomAD 0.00001; TOPMed 0.00001.
gnomAD v4.1: 2 of 1,614,102 alleles (0.00012%); highest among the groups gnomAD compares: African/African-American, 0.0027%; no homozygotes.

Submission:

GeneDx
Classification: Uncertain significance. Last evaluated: 2022-06-10. Review status: criteria provided, single submitter. Criteria: GeneDx Variant Classification Process June 2021. Collection method: clinical testing. Allele origin: germline. Affected: yes.
Comment: Not observed at significant frequency in large population cohorts (gnomAD); In silico analysis supports that this missense variant does not alter protein structure/function; Has not been previously published as pathogenic or benign to our knowledge